The following is an entry in ClinVar:

NM_012470.4(TNPO3):c.1936T>C (p.Ser646Pro)

Gene: TNPO3 (transportin 3; minus strand). Cytogenetic location: 7q32.1.
Variant type: single nucleotide variant.
Coding change: c.1936T>C on transcript NM_012470.4 (MANE Select); coding-DNA position 1936, T replaced by C.
Protein change: p.Ser646Pro; replaces serine 646 with proline.
Molecular consequence: missense variant. On other transcripts: non-coding transcript variant (14), intron variant (1).
Genome position (GRCh38, 1-based): chr7:128,979,108, A>G on the plus strand (T>C on the coding strand, the complement: TNPO3 is on the minus strand). VCF-style: chr7-128979108-A-G. GRCh37 (hg19) VCF-style: chr7-128619162-A-G.
Other names: c.1744T>C, p.Ser582Pro (NM_001191028.3, NM_001382223.1); c.2038T>C, p.Ser680Pro (NM_001382216.1); c.2017T>C, p.Ser673Pro (NM_001382217.1); c.1936T>C, p.Ser646Pro (NM_001382218.1); c.1828T>C, p.Ser610Pro (NM_001382219.1); c.1792T>C, p.Ser598Pro (NM_001382221.1); c.1789T>C, p.Ser597Pro (NM_001382222.1); c.1920+863T>C (NM_001382220.1); short protein forms S582P, S610P, S673P, S680P, S597P, S598P, S646P.
Identifiers: ClinVar variation 1382647 (VCV001382647.6), dbSNP rs2129003718, ClinGen allele CA369221707.

ClinVar aggregate classification (germline): Uncertain significance (1 of 4 stars; one submission).

Conditions:
Autosomal dominant limb-girdle muscular dystrophy type 1F (LGMDD2). Also called: MUSCULAR DYSTROPHY, LIMB-GIRDLE, AUTOSOMAL DOMINANT 2; Limb-girdle muscular dystrophy, type 1F. Identifiers: Orphanet 55595, MedGen C1842062, MONDO:0012034, OMIM 608423.

Submission:

Labcorp Genetics (formerly Invitae), Labcorp
Classification: Uncertain significance for Autosomal dominant limb-girdle muscular dystrophy type 1F. Last evaluated: 2022-11-22. Review status: criteria provided, single submitter. Criteria: Invitae Variant Classification Sherloc (09022015). Collection method: clinical testing. Allele origin: germline.
Comment: This sequence change replaces serine, which is neutral and polar, with proline, which is neutral and non-polar, at codon 646 of the TNPO3 protein (p.Ser646Pro). This variant is not present in population databases (gnomAD no frequency). This variant has not been reported in the literature in individuals affected with TNPO3-related conditions. ClinVar contains an entry for this variant (Variation ID: 1382647). Advanced modeling of protein sequence and biophysical properties (such as structural, functional, and spatial information, amino acid conservation, physicochemical variation, residue mobility, and thermodynamic stability) has been performed at Invitae for this missense variant, however the output from this modeling did not meet the statistical confidence thresholds required to predict the impact of this variant on TNPO3 protein function. In summary, the available evidence is currently insufficient to determine the role of this variant in disease. Therefore, it has been classified as a Variant of Uncertain Significance.